The following is an entry in ClinVar:

NM_002900.3(RBP3):c.2824C>T (p.Gln942Ter)

Gene: RBP3 (retinol binding protein 3; plus strand). Cytogenetic location: 10q11.22.
Variant type: single nucleotide variant.
Coding change: c.2824C>T on transcript NM_002900.3 (MANE Select); coding-DNA position 2824, C replaced by T.
Protein change: p.Gln942Ter; replaces glutamine 942 with a stop codon.
Molecular consequence: nonsense.
Genome position (GRCh38, 1-based): chr10:47,351,308, C>T. VCF-style: chr10-47351308-C-T. GRCh37 (hg19) VCF-style: chr10-48388054-G-A.
Other names: short protein forms Q942*.
Identifiers: ClinVar variation 1069291 (VCV001069291.7), dbSNP rs781985780, ClinGen allele CA206465628.

ClinVar aggregate classification (germline): Pathogenic (1 of 4 stars; one submission).

gnomAD v4.1: 1 of 1,613,506 alleles (0.000062%); highest among the groups gnomAD compares: African/African-American, 0.0013%; no homozygotes.

Submission:

Labcorp Genetics (formerly Invitae), Labcorp
Classification: Pathogenic. Last evaluated: 2023-10-07. Review status: criteria provided, single submitter. Criteria: Invitae Variant Classification Sherloc (09022015). Collection method: clinical testing. Allele origin: germline.
Comment: This sequence change creates a premature translational stop signal (p.Gln942*) in the RBP3 gene. It is expected to result in an absent or disrupted protein product. Loss-of-function variants in RBP3 are known to be pathogenic (PMID: 9614228, 23105016, 25766589). This variant is not present in population databases (gnomAD no frequency). This variant has not been reported in the literature in individuals affected with RBP3-related conditions. ClinVar contains an entry for this variant (Variation ID: 1069291). For these reasons, this variant has been classified as Pathogenic.

Literature cited by the submitters: PubMed 9614228; PubMed 23105016; PubMed 25766589.